The following is an entry in ClinVar:

NM_007294.4(BRCA1):c.208A>G (p.Lys70Glu)

Gene: BRCA1 (BRCA1 DNA repair associated; minus strand). Cytogenetic location: 17q21.31.
Variant type: single nucleotide variant.
Coding change: c.208A>G on transcript NM_007294.4 (MANE Select); coding-DNA position 208, A replaced by G.
Protein change: p.Lys70Glu; replaces lysine 70 with glutamic acid.
Molecular consequence: missense variant.
Genome position (GRCh38, 1-based): chr17:43,106,460, T>C on the plus strand (A>G on the coding strand, the complement: BRCA1 is on the minus strand). VCF-style: chr17-43106460-T-C. GRCh37 (hg19) VCF-style: chr17-41258477-T-C.
Other names: c.67A>G, p.Lys23Glu (NM_001407931.1, NM_001407932.1, NM_001407933.1 and 99 more transcripts); c.208A>G, p.Lys70Glu (NM_001407937.1, NM_001407938.1, NM_001407939.1 and 168 more transcripts); short protein forms K23E, K70E.
Identifiers: ClinVar variation 868786 (VCV000868786.3), dbSNP rs2054770550, ClinGen allele CA10601753.

Conditions:
Breast-ovarian cancer, familial, susceptibility to, 1 (BROVCA1). Also called: BRCA1 Hereditary Breast and Ovarian Cancer; OVARIAN CANCER, SUSCEPTIBILITY TO. Identifiers: Orphanet 145, MedGen C2676676, MONDO:0011450, OMIM 604370. Disease mechanism: loss of function.

Submission:

Brotman Baty Institute, University of Washington
No classification provided (evidence only). Condition: Breast-ovarian cancer, familial 1. Review status: no classification provided. Collection method: in vitro. Allele origin: not applicable. Functional consequence: functionally_normal.
ClinVar note: "not provided" was previously submitted as the classification for the variant. However, the classification appeared to be based only on an observation of functional data so it was converted to no classification on 2025-07-30.